The following is an entry in ClinVar:

ClinVar aggregate classification (germline): Uncertain significance (1 of 4 stars; one submission).

Conditions:
ALG11-congenital disorder of glycosylation. Also called: CONGENITAL DISORDER OF GLYCOSYLATION, TYPE Ip; ALG11-CDG. Identifiers: Orphanet 280071, MedGen C3150913, MONDO:0013349, OMIM 613661.

Submission:

3billion
Classification: Uncertain significance for ALG11-congenital disorder of glycosylation. Last evaluated: 2022-09-01. Review status: criteria provided, single submitter. Criteria: ACMG Guidelines, 2015. Collection method: clinical testing. Allele origin: germline. Affected: yes. Observed: 1 homozygote.
Comment: The variant is not observed in the gnomAD v2.1.1 dataset. Missense changes are a common disease-causing mechanism. In silico tool predictions suggest damaging effect of the variant on gene or gene product. Therefore, this variant is classified as uncertain significance according to the recommendation of ACMG/AMP guideline.

NM_001004127.3(ALG11):c.251G>A (p.Cys84Tyr)

Gene: ALG11 (ALG11 alpha-1,2-mannosyltransferase; plus strand). Cytogenetic location: 13q14.3.
Variant type: single nucleotide variant.
Coding change: c.251G>A on transcript NM_001004127.3 (MANE Select); coding-DNA position 251, G replaced by A.
Protein change: p.Cys84Tyr; replaces cysteine 84 with tyrosine.
Molecular consequence: missense variant.
Genome position (GRCh38, 1-based): chr13:52,019,119, G>A. VCF-style: chr13-52019119-G-A. GRCh37 (hg19) VCF-style: chr13-52593255-G-A.
Other names: short protein forms C84Y.
Identifiers: ClinVar variation 1705647 (VCV001705647.1), dbSNP rs2547340994, ClinGen allele CA388011209.